The following is an entry in ClinVar:

ClinVar aggregate classification (germline): Uncertain significance (1 of 4 stars; one submission).

Submission:

Ambry Genetics
Classification: Uncertain significance. Last evaluated: 2022-10-29. Review status: criteria provided, single submitter. Criteria: Ambry Variant Classification Scheme 2023. Collection method: clinical testing. Allele origin: germline.
Comment: The p.Q302E variant (also known as c.904C>G), located in coding exon 9 of the BUB1 gene, results from a C to G substitution at nucleotide position 904. The glutamine at codon 302 is replaced by glutamic acid, an amino acid with highly similar properties. This amino acid position is conserved. In addition, this alteration is predicted to be tolerated by in silico analysis. Since supporting evidence is limited at this time, the clinical significance of this alteration remains unclear.

NM_004336.5(BUB1):c.904C>G (p.Gln302Glu)

Gene: BUB1 (BUB1 mitotic checkpoint serine/threonine kinase; minus strand). Cytogenetic location: 2q13.
Variant type: single nucleotide variant.
Coding change: c.904C>G on transcript NM_004336.5 (MANE Select); coding-DNA position 904, C replaced by G.
Protein change: p.Gln302Glu; replaces glutamine 302 with glutamic acid.
Molecular consequence: missense variant.
Genome position (GRCh38, 1-based): chr2:110,666,316, G>C on the plus strand (C>G on the coding strand, the complement: BUB1 is on the minus strand). VCF-style: chr2-110666316-G-C. GRCh37 (hg19) VCF-style: chr2-111423893-G-C.
Other names: c.844C>G, p.Gln282Glu (NM_001278616.2); c.904C>G, p.Gln302Glu (NM_001278617.2); short protein forms Q282E, Q302E.
Identifiers: ClinVar variation 1765593 (VCV001765593.2), dbSNP rs1690255414, ClinGen allele CA348216450.